The following is an entry in ClinVar:

NM_021620.4(PRDM13):c.20C>T (p.Ala7Val)

Gene: PRDM13 (PR/SET domain 13; plus strand). Cytogenetic location: 6q16.2.
Variant type: single nucleotide variant.
Coding change: c.20C>T on transcript NM_021620.4 (MANE Select); coding-DNA position 20, C replaced by T.
Protein change: p.Ala7Val; replaces alanine 7 with valine.
Molecular consequence: missense variant.
Genome position (GRCh38, 1-based): chr6:99,607,054, C>T. VCF-style: chr6-99607054-C-T. GRCh37 (hg19) VCF-style: chr6-100054930-C-T.
Other names: short protein forms A7V.
Identifiers: ClinVar variation 2075429 (VCV002075429.4), dbSNP rs755081087, ClinGen allele CA365113061.

ClinVar aggregate classification (germline): Uncertain significance (1 of 4 stars; one submission).

Submission:

Labcorp Genetics (formerly Invitae), Labcorp
Classification: Uncertain significance. Last evaluated: 2022-05-25. Review status: criteria provided, single submitter. Criteria: Invitae Variant Classification Sherloc (09022015). Collection method: clinical testing. Allele origin: germline.
Comment: In summary, the available evidence is currently insufficient to determine the role of this variant in disease. Therefore, it has been classified as a Variant of Uncertain Significance. Algorithms developed to predict the effect of missense changes on protein structure and function (SIFT, PolyPhen-2, Align-GVGD) all suggest that this variant is likely to be tolerated. This sequence change replaces alanine, which is neutral and non-polar, with valine, which is neutral and non-polar, at codon 7 of the PRDM13 protein (p.Ala7Val). This variant is not present in population databases (gnomAD no frequency). This variant has not been reported in the literature in individuals affected with PRDM13-related conditions.